The following is an entry in ClinVar:

ClinVar aggregate classification (germline): Conflicting classifications of pathogenicity. Review status: criteria provided, conflicting classifications (1 of 4 stars). 2 submissions from 2 submitters: Uncertain significance (1); Likely benign (1). Last evaluated 2025-01-08.

Conditions:
Autosomal recessive hypophosphatemic bone disease (HHRH). Also called: HYPERCALCIURIC RICKETS; Hypophosphatemic rickets with hypercalciuria. Identifiers: Orphanet 157215, MedGen C1853271, MONDO:0009431, OMIM 241530.

gnomAD v4.1: 36 of 1,558,996 alleles (0.0023%); highest among the groups gnomAD compares: Admixed American, 0.058%; no homozygotes.

Submissions (2):

GeneDx
Classification: Uncertain significance. Last evaluated: 2025-01-08. Review status: criteria provided, single submitter. Criteria: GeneDx Variant Classification Process June 2021. Collection method: clinical testing. Allele origin: germline. Affected: yes.
Comment: In silico analysis supports a deleterious effect on splicing; Has not been previously published as pathogenic or benign to our knowledge; Located in a regulatory region; in the absence of functional studies, the actual effect of this sequence change is unknown

Fulgent Genetics
Classification: Likely benign for Autosomal recessive hypophosphatemic bone disease. Last evaluated: 2024-02-29. Review status: criteria provided, single submitter. Criteria: ACMG Guidelines, 2015. Collection method: clinical testing. Allele origin: germline.

NM_001177316.2(SLC34A3):c.-39-1G>A

Gene: SLC34A3 (solute carrier family 34 member 3; plus strand). Cytogenetic location: 9q34.3.
Variant type: single nucleotide variant.
Coding change: c.-39-1G>A on transcript NM_001177316.2 (MANE Select); the canonical splice acceptor site of the intron before 39 bases upstream of the start codon, G replaced by A.
Molecular consequence: splice acceptor variant. On other transcripts: 5 prime UTR variant (1).
Genome position (GRCh38, 1-based): chr9:137,231,663, G>A. VCF-style: chr9-137231663-G-A. GRCh37 (hg19) VCF-style: chr9-140126115-G-A.
Other names: c.-40G>A (NM_001177317.2); c.-39-1G>A (NM_080877.3, NM_080877.2).
Identifiers: ClinVar variation 3596849 (VCV003596849.2).